The following is an entry in ClinVar:

NM_172364.5(CACNA2D4):c.2009-3C>T

Gene: CACNA2D4 (calcium voltage-gated channel auxiliary subunit alpha2delta 4; minus strand). Cytogenetic location: 12p13.33.
Variant type: single nucleotide variant.
Coding change: c.2009-3C>T on transcript NM_172364.5 (MANE Select); 3 bases into the intron before coding-DNA position 2009, C replaced by T.
Molecular consequence: intron variant.
Genome position (GRCh38, 1-based): chr12:1,856,232, G>A on the plus strand (C>T on the coding strand, the complement: CACNA2D4 is on the minus strand). VCF-style: chr12-1856232-G-A. GRCh37 (hg19) VCF-style: chr12-1965398-G-A.
Identifiers: ClinVar variation 707895 (VCV000707895.18), dbSNP rs185220718, ClinGen allele CA6386880.
Genomic context (GRCh38, chr12:1,856,232, plus strand): 5'-CTCCTCACTTACCAGTCACCGGCCAGGGCCAGGTCTGGGTGAAGCAAGTCATGCAGGCCT[G>A]AAACCAGAGTCCACATTCAGGGTGATGCTCCCTCACTGCCATGAGGGTGTGTGTCTCAAT-3'

ClinVar aggregate classification (germline): Likely benign. Review status: criteria provided, multiple submitters, no conflicts (2 of 4 stars). 5 submissions from 5 submitters: Likely benign (5). Last evaluated 2026-01-29.

Conditions:
Retinal cone dystrophy 4 (RCD4). Identifiers: Orphanet 1872, MedGen C1864849, MONDO:0012507, OMIM 610478.

Allele frequency attached by ClinVar (database versions not stated): ExAC 0.00084; ESP Exome Variant Server 0.00204; gnomAD 0.00215 and 0.00233; 1000 Genomes Project 0.00220; 1000 Genomes Project 30x 0.00234; TOPMed 0.00260; gnomAD exomes 0.00033 and 0.00081.
gnomAD v4.1: 840 of 1,614,040 alleles (0.052%); highest among the groups gnomAD compares: African/African-American, 0.7%; 6 homozygotes.

Submissions (6):

Labcorp Genetics (formerly Invitae), Labcorp
Classification: Likely benign. Last evaluated: 2026-01-29. Review status: criteria provided, single submitter. Criteria: Invitae Variant Classification Sherloc (09022015). Collection method: clinical testing. Allele origin: germline.

Genomic Medicine Center of Excellence, King Faisal Specialist Hospital and Research Centre
Classification: Likely benign. Last evaluated: 2025-08-18. Review status: criteria provided, single submitter. Criteria: ACMG Guidelines, 2015. Collection method: clinical testing. Allele origin: germline.

Blueprint Genetics
Classification: Likely benign. Last evaluated: 2024-10-21. Review status: criteria provided, single submitter. Criteria: ACMG Guidelines, 2015. Collection method: clinical testing. Allele origin: germline.

Illumina Laboratory Services, Illumina
Classification: Likely benign for Retinal cone dystrophy 4. Last evaluated: 2018-01-13. Review status: criteria provided, single submitter. Criteria: ICSL Variant Classification Criteria 13 December 2019. Collection method: clinical testing. Allele origin: germline.
Comment: This variant was observed in the ICSL laboratory as part of a predisposition screen in an ostensibly healthy population. It had not been previously curated by ICSL or reported in the Human Gene Mutation Database (HGMD: prior to June 1st, 2018), and was therefore a candidate for classification through an automated scoring system. Utilizing variant allele frequency, disease prevalence and penetrance estimates, and inheritance mode, an automated score was calculated to assess if this variant is too frequent to cause the disease. Based on the score and internal cut-off values, a variant classified as likely benign is not then subjected to further curation. The score for this variant resulted in a classification of likely benign for this disease.

Breakthrough Genomics
Classification: Likely benign. Review status: criteria provided, single submitter. Criteria: ACMG Guidelines, 2015. Collection method: not provided. Allele origin: germline. Inheritance: Autosomal recessive inheritance. Affected: yes.

Dr. Peter K. Rogan Lab, Western University
No classification provided (evidence only). Condition: Acute myeloid leukemia. Review status: no classification provided. Collection method: in vitro. Allele origin: not applicable. Functional consequence: retained intron. Not counted in ClinVar's aggregate classification.